The following is an entry in ClinVar:

ClinVar aggregate classification (germline): Uncertain significance. Review status: criteria provided, multiple submitters, no conflicts (2 of 4 stars). 2 submissions from 2 submitters: Uncertain significance (2). Last evaluated 2025-12-11.

Conditions:
Hereditary cancer-predisposing syndrome. Also called: Neoplastic Syndromes, Hereditary; Tumor predisposition; Hereditary Cancer Syndrome; Hereditary neoplastic syndrome. Identifiers: Orphanet 140162, MedGen C0027672, MeSH D009386, MONDO:0015356.

Submissions (2):

Ambry Genetics
Classification: Uncertain significance for Hereditary cancer-predisposing syndrome. Last evaluated: 2025-12-11. Review status: criteria provided, single submitter. Criteria: Ambry Variant Classification Scheme 2023. Collection method: clinical testing. Allele origin: germline.
Comment: The p.V809F variant (also known as c.2425G>T), located in coding exon 16 of the CTNNA1 gene, results from a G to T substitution at nucleotide position 2425. The valine at codon 809 is replaced by phenylalanine, an amino acid with highly similar properties. This amino acid position is conserved. In addition, the in silico prediction for this alteration is inconclusive. Based on the available evidence, the clinical significance of this variant remains unclear.

Labcorp Genetics (formerly Invitae), Labcorp
Classification: Uncertain significance. Last evaluated: 2022-03-27. Review status: criteria provided, single submitter. Criteria: Invitae Variant Classification Sherloc (09022015). Collection method: clinical testing. Allele origin: germline.
Comment: In summary, the available evidence is currently insufficient to determine the role of this variant in disease. Therefore, it has been classified as a Variant of Uncertain Significance. Algorithms developed to predict the effect of missense changes on protein structure and function are either unavailable or do not agree on the potential impact of this missense change (SIFT: "Deleterious"; PolyPhen-2: "Benign"; Align-GVGD: "Class C0"). This variant has not been reported in the literature in individuals affected with CTNNA1-related conditions. This variant is not present in population databases (gnomAD no frequency). This sequence change replaces valine, which is neutral and non-polar, with phenylalanine, which is neutral and non-polar, at codon 809 of the CTNNA1 protein (p.Val809Phe).

NM_001903.5(CTNNA1):c.2425G>T (p.Val809Phe)

Gene: CTNNA1 (catenin alpha 1; plus strand). Cytogenetic location: 5q31.2.
Variant type: single nucleotide variant.
Coding change: c.2425G>T on transcript NM_001903.5 (MANE Select); coding-DNA position 2425, G replaced by T.
Protein change: p.Val809Phe; replaces valine 809 with phenylalanine.
Molecular consequence: missense variant. On other transcripts: intron variant (1).
Genome position (GRCh38, 1-based): chr5:138,932,704, G>T. VCF-style: chr5-138932704-G-T. GRCh37 (hg19) VCF-style: chr5-138268393-G-T.
Other names: c.1315G>T, p.Val439Phe (NM_001323993.1, NM_001323994.1, NM_001323995.1 and 16 more transcripts); c.976G>T, p.Val326Phe (NM_001324006.1, NM_001324007.1, NM_001324008.1 and 2 more transcripts); c.1222G>T, p.Val408Phe (NM_001324011.1); c.1072G>T, p.Val358Phe (NM_001324012.1, NM_001324013.1); c.1189-1098G>T (NM_001324001.1); c.2425G>T, p.Val809Phe (NM_001290307.3, NM_001323982.2, NM_001323983.1 and 2 more transcripts); c.2116G>T, p.Val706Phe (NM_001290309.3); c.2056G>T, p.Val686Phe (NM_001290310.3); and 2 more; short protein forms V326F, V706F, V778F, V358F, V408F, V686F, V439F, V809F.
Identifiers: ClinVar variation 2118298 (VCV002118298.5), dbSNP rs2533915421, ClinGen allele CA361134558.